The following is an entry in ClinVar:

ClinVar aggregate classification (germline): Pathogenic (1 of 4 stars; one submission).

Submission:

Labcorp Genetics (formerly Invitae), Labcorp
Classification: Pathogenic. Last evaluated: 2023-07-03. Review status: criteria provided, single submitter. Criteria: Invitae Variant Classification Sherloc (09022015). Collection method: clinical testing. Allele origin: germline.
Comment: This variant has not been reported in the literature in individuals affected with SLC45A2-related conditions. This variant disrupts a region of the SLC45A2 protein in which other variant(s) (p.Gly491Arg) have been determined to be pathogenic (PMID: 29345414; Invitae). This suggests that this is a clinically significant region of the protein, and that variants that disrupt it are likely to be disease-causing. For these reasons, this variant has been classified as Pathogenic. This variant is not present in population databases (gnomAD no frequency). This sequence change creates a premature translational stop signal (p.Gly473Alafs*36) in the SLC45A2 gene. While this is not anticipated to result in nonsense mediated decay, it is expected to disrupt the last 58 amino acid(s) of the SLC45A2 protein.

Literature cited by the submitters: PubMed 29345414.

NM_016180.5(SLC45A2):c.1418del (p.Gly473fs)

Gene: SLC45A2 (solute carrier family 45 member 2; minus strand). Cytogenetic location: 5p13.2.
Variant type: Deletion.
Coding change: c.1418del on transcript NM_016180.5 (MANE Select); coding-DNA position 1418, one base deleted (G; older notation c.1418delG).
Protein change: p.Gly473fs; shifts the reading frame from glycine 473.
Molecular consequence: frameshift variant.
Genome position (GRCh38, 1-based): chr5:33,944,823, C deleted on the plus strand (G on the coding strand, the reverse complement: SLC45A2 is on the minus strand); the first of 3 consecutive C bases (chr5:33,944,823-33,944,825); deleting any one gives the same sequence. VCF-style (leftmost placement, unchanged base first): chr5-33944822-GC-G. GRCh37 (hg19) VCF-style: chr5-33944927-GC-G.
Other names: short protein forms G473fs.
Identifiers: ClinVar variation 2841981 (VCV002841981.3), dbSNP rs914536172, ClinGen allele CA116871895.